The following is an entry in ClinVar:

NM_001374736.1(DST):c.19967T>C (p.Ile6656Thr)

Gene: DST (dystonin; minus strand). Cytogenetic location: 6p12.1.
Variant type: single nucleotide variant.
Coding change: c.19967T>C on transcript NM_001374736.1 (MANE Select); coding-DNA position 19967, T replaced by C.
Protein change: p.Ile6656Thr; replaces isoleucine 6656 with threonine.
Molecular consequence: missense variant.
Genome position (GRCh38, 1-based): chr6:56,497,983, A>G on the plus strand (T>C on the coding strand, the complement: DST is on the minus strand). VCF-style: chr6-56497983-A-G. GRCh37 (hg19) VCF-style: chr6-56362781-A-G.
Other names: c.13610T>C, p.Ile4537Thr (NM_001144769.5); c.13196T>C, p.Ile4399Thr (NM_001144770.2); c.19967T>C, p.Ile6656Thr (NM_001374722.1); c.19007T>C, p.Ile6336Thr (NM_001374729.1); c.12749T>C, p.Ile4250Thr (NM_001374730.1); c.19994T>C, p.Ile6665Thr (NM_001374734.1); c.13076T>C, p.Ile4359Thr (NM_001386100.1, NM_183380.4); c.12098T>C, p.Ile4033Thr (NM_015548.5); short protein forms I4250T, I6656T, I4033T, I4399T, I6336T, I6665T, I4537T, I4359T.
Identifiers: ClinVar variation 1407170 (VCV001407170.8), dbSNP rs1420001114, ClinGen allele CA364519453.

ClinVar aggregate classification (germline): Uncertain significance. Review status: criteria provided, multiple submitters, no conflicts (2 of 4 stars). 2 submissions from 2 submitters: Uncertain significance (2). Last evaluated 2023-12-11.

Conditions:
Inborn genetic diseases. Identifiers: MedGen C0950123, MeSH D030342.
Epidermolysis bullosa simplex 3, localized or generalized intermediate, with BP230 deficiency (EBS3). Also called: Epidermolysis bullosa simplex, autosomal recessive 2; Epidermolysis bullosa simplex due to BP230 deficiency. Identifiers: Orphanet 412181, MedGen C3809470, MONDO:0014180, OMIM 615425.
Hereditary sensory and autonomic neuropathy type 6. Also called: HSAN VI; Neuropathy, hereditary sensory and autonomic, type VI. Identifiers: Orphanet 314381, MedGen C3539003, MONDO:0013839, OMIM 614653.

Allele frequency attached by ClinVar (database versions not stated): gnomAD exomes below 0.00001 and 0.00002; TOPMed below 0.00001.
gnomAD v4.1: 9 of 1,613,508 alleles (0.00056%); highest among the groups gnomAD compares: East Asian, 0.02%; no homozygotes.

Submissions (2):

Labcorp Genetics (formerly Invitae), Labcorp
Classification: Uncertain significance for Epidermolysis bullosa simplex 3, localized or generalized intermediate, with BP230 deficiency; Hereditary sensory and autonomic neuropathy type 6. Last evaluated: 2023-12-11. Review status: criteria provided, single submitter. Criteria: Invitae Variant Classification Sherloc (09022015). Collection method: clinical testing. Allele origin: germline.
Comment: The DST gene has multiple clinically relevant transcripts. This variant occurs in alternate transcript NM_015548.4, and corresponds to NM_001723.5:c.*117534T>C in the primary transcript. This sequence change replaces isoleucine, which is neutral and non-polar, with threonine, which is neutral and polar, at codon 4033 of the DST protein (p.Ile4033Thr). This variant is present in population databases (no rsID available, gnomAD 0.006%). This variant has not been reported in the literature in individuals affected with DST-related conditions. Experimental studies and prediction algorithms are not available or were not evaluated, and the functional significance of this variant is currently unknown. In summary, the available evidence is currently insufficient to determine the role of this variant in disease. Therefore, it has been classified as a Variant of Uncertain Significance.

Ambry Genetics
Classification: Uncertain significance for Inborn genetic diseases. Last evaluated: 2021-02-10. Review status: criteria provided, single submitter. Criteria: Ambry Variant Classification Scheme 2023. Collection method: clinical testing. Allele origin: germline.
Comment: The p.I4537T variant (also known as c.13610T>C), located in coding exon 75 of the DST gene, results from a T to C substitution at nucleotide position 13610. The isoleucine at codon 4537 is replaced by threonine, an amino acid with similar properties. This amino acid position is not well conserved in available vertebrate species. In addition, the in silico prediction for this alteration is inconclusive. Since supporting evidence is limited at this time, the clinical significance of this alteration remains unclear.